The following is an entry in ClinVar:

NM_000090.4(COL3A1):c.3469C>A (p.Pro1157Thr)

Gene: COL3A1 (collagen type III alpha 1 chain; plus strand). Cytogenetic location: 2q32.2.
Variant type: single nucleotide variant.
Coding change: c.3469C>A on transcript NM_000090.4 (MANE Select); coding-DNA position 3469, C replaced by A.
Protein change: p.Pro1157Thr; replaces proline 1157 with threonine.
Molecular consequence: missense variant.
Genome position (GRCh38, 1-based): chr2:189,008,086, C>A. VCF-style: chr2-189008086-C-A. GRCh37 (hg19) VCF-style: chr2-189872812-C-A.
Other names: short protein forms P1157T.
Identifiers: ClinVar variation 3073256 (VCV003073256.1), dbSNP rs1191195832, ClinGen allele CA349846469.

ClinVar aggregate classification (germline): Uncertain significance (1 of 4 stars; one submission).

Conditions:
Ehlers-Danlos syndrome, type 4 (EDSVASC). Also called: Ehlers-Danlos Syndrome Type IV; Ehlers-Danlos syndrome vascular type; Ehlers Danlos syndrome, ecchymotic type; Ehlers Danlos syndrome, arterial type; Ehlers Danlos syndrome, Sack-Barabas type. Identifiers: Orphanet 286, MedGen C0268338, MONDO:0017314, OMIM 130050.

Allele frequency attached by ClinVar (database versions not stated): gnomAD exomes below 0.00001.
gnomAD v4.1: 3 of 1,613,984 alleles (0.00019%); highest among the groups gnomAD compares: East Asian, 0.0045%; no homozygotes.

Submission:

All of Us Research Program, National Institutes of Health
Classification: Uncertain significance for Ehlers-Danlos syndrome, type 4. Last evaluated: 2023-08-28. Review status: criteria provided, single submitter. Criteria: ACMG Guidelines, 2015. Collection method: clinical testing. Allele origin: germline. Inheritance: Autosomal dominant inheritance. Observed: 1 variant allele, 1 heterozygote.
Comment: This missense variant replaces proline with threonine at codon 1157 of the COL3A1 protein. Computational prediction is inconclusive regarding the impact of this variant on protein structure and function (internally defined REVEL score threshold 0.5 < inconclusive < 0.7, PMID: 27666373). To our knowledge, functional studies have not been reported for this variant. This variant has not been reported in individuals affected with COL3A1-related disorders in the literature. This variant has not been identified in the general population by the Genome Aggregation Database (gnomAD). The available evidence is insufficient to determine the role of this variant in disease conclusively. Therefore, this variant is classified as a Variant of Uncertain Significance.

This study involves interpretation of variants in research participants for the purpose of population health screening. Participant phenotype was not available at the time of variant classification. Additional details can be found in publication PMID: 35346344, PMCID: PMC8962531